The following is an entry in ClinVar:

NM_182641.4(BPTF):c.6285A>G (p.Gln2095=)

Gene: BPTF (bromodomain PHD finger transcription factor; plus strand). Cytogenetic location: 17q24.2.
Variant type: single nucleotide variant.
Coding change: c.6285A>G on transcript NM_182641.4 (MANE Select); coding-DNA position 6285, A replaced by G.
Protein change: p.Gln2095=; no amino-acid change (glutamine 2095 retained).
Molecular consequence: synonymous variant.
Genome position (GRCh38, 1-based): chr17:67,940,464, A>G. VCF-style: chr17-67940464-A-G. GRCh37 (hg19) VCF-style: chr17-65936580-A-G.
Other names: c.6285A>G (NM_182641.3); c.6663A>G, p.Gln2221= (NM_004459.7).
Identifiers: ClinVar variation 781330 (VCV000781330.11), dbSNP rs73996923, ClinGen allele CA8726172.

ClinVar aggregate classification (germline): Benign. Review status: criteria provided, multiple submitters, no conflicts (2 of 4 stars). 3 submissions from 3 submitters: Benign (2). 1 of the submissions does not count toward it. Last evaluated 2026-01-11.

Conditions:
BPTF-related disorder. Also called: BPTF-related condition.

Allele frequency attached by ClinVar (database versions not stated): TOPMed 0.01229; gnomAD exomes 0.00273; 1000 Genomes Project 0.01178; 1000 Genomes Project 30x 0.01187; gnomAD 0.01201; ESP Exome Variant Server 0.01176.
gnomAD v4.1: 3,492 of 1,614,152 alleles (0.22%); highest among the groups gnomAD compares: African/African-American, 4.1%; 64 homozygotes.

Submissions (3):

Labcorp Genetics (formerly Invitae), Labcorp
Classification: Benign. Last evaluated: 2026-01-11. Review status: criteria provided, single submitter. Criteria: Invitae Variant Classification Sherloc (09022015). Collection method: clinical testing. Allele origin: germline.

Breakthrough Genomics
Classification: Benign. Review status: criteria provided, single submitter. Criteria: ACMG Guidelines, 2015. Collection method: not provided. Allele origin: germline. Inheritance: Autosomal dominant inheritance. Affected: yes.

PreventionGenetics, part of Exact Sciences
Classification: Benign for BPTF-related condition. Last evaluated: 2020-01-14. Review status: no assertion criteria provided. Collection method: clinical testing. Allele origin: germline. Not counted in ClinVar's aggregate classification.
Comment: This variant is classified as benign based on ACMG/AMP sequence variant interpretation guidelines (Richards et al. 2015 PMID: 25741868, with internal and published modifications).